The following is an entry in ClinVar:

ClinVar aggregate classification (germline): Uncertain significance. Review status: criteria provided, multiple submitters, no conflicts (2 of 4 stars). 2 submissions from 2 submitters: Uncertain significance (2). Last evaluated 2026-05-15.

Conditions:
Hereditary cancer-predisposing syndrome. Also called: Hereditary neoplastic syndrome; Neoplastic Syndromes, Hereditary; Tumor predisposition; Hereditary Cancer Syndrome. Identifiers: Orphanet 140162, MedGen C0027672, MeSH D009386, MONDO:0015356.

Submissions (2):

Ambry Genetics
Classification: Uncertain significance for Hereditary cancer-predisposing syndrome. Last evaluated: 2026-05-15. Review status: criteria provided, single submitter. Criteria: Ambry Variant Classification Scheme 2023. Collection method: clinical testing. Allele origin: germline.
Comment: The p.R1485S variant (also known as c.4453C>A), located in coding exon 35 of the POLE gene, results from a C to A substitution at nucleotide position 4453. The arginine at codon 1485 is replaced by serine, an amino acid with dissimilar properties. This amino acid position is conserved. In addition, the in silico prediction for this alteration is inconclusive. Based on the available evidence, the clinical significance of this variant remains unclear.

Labcorp Genetics (formerly Invitae), Labcorp
Classification: Uncertain significance. Last evaluated: 2023-11-15. Review status: criteria provided, single submitter. Criteria: Invitae Variant Classification Sherloc (09022015). Collection method: clinical testing. Allele origin: germline.
Comment: This sequence change replaces arginine, which is basic and polar, with serine, which is neutral and polar, at codon 1485 of the POLE protein (p.Arg1485Ser). This variant is not present in population databases (gnomAD no frequency). This variant has not been reported in the literature in individuals affected with POLE-related conditions. Advanced modeling of protein sequence and biophysical properties (such as structural, functional, and spatial information, amino acid conservation, physicochemical variation, residue mobility, and thermodynamic stability) performed at Invitae indicates that this missense variant is not expected to disrupt POLE protein function with a negative predictive value of 80%. In summary, the available evidence is currently insufficient to determine the role of this variant in disease. Therefore, it has been classified as a Variant of Uncertain Significance.

NM_006231.4(POLE):c.4453C>A (p.Arg1485Ser)

Gene: POLE (DNA polymerase epsilon, catalytic subunit; minus strand). Cytogenetic location: 12q24.33.
Variant type: single nucleotide variant.
Coding change: c.4453C>A on transcript NM_006231.4 (MANE Select); coding-DNA position 4453, C replaced by A.
Protein change: p.Arg1485Ser; replaces arginine 1485 with serine.
Molecular consequence: missense variant.
Genome position (GRCh38, 1-based): chr12:132,643,322, G>T on the plus strand (C>A on the coding strand, the complement: POLE is on the minus strand). VCF-style: chr12-132643322-G-T. GRCh37 (hg19) VCF-style: chr12-133219908-G-T.
Other names: c.4453C>A (NM_006231.2); short protein forms R1485S.
Identifiers: ClinVar variation 2905482 (VCV002905482.4), dbSNP rs969429633, ClinGen allele CA387380790.